The following is an entry in ClinVar:

NM_006231.4(POLE):c.2423A>G (p.His808Arg)

Gene: POLE (DNA polymerase epsilon, catalytic subunit; minus strand). Cytogenetic location: 12q24.33.
Variant type: single nucleotide variant.
Coding change: c.2423A>G on transcript NM_006231.4 (MANE Select); coding-DNA position 2423, A replaced by G.
Protein change: p.His808Arg; replaces histidine 808 with arginine.
Molecular consequence: missense variant.
Genome position (GRCh38, 1-based): chr12:132,665,347, T>C on the plus strand (A>G on the coding strand, the complement: POLE is on the minus strand). VCF-style: chr12-132665347-T-C. GRCh37 (hg19) VCF-style: chr12-133241933-T-C.
Other names: short protein forms H808R.
Identifiers: ClinVar variation 405801 (VCV000405801.11), dbSNP rs1060500854, ClinGen allele CA16613924.

ClinVar aggregate classification (germline): Uncertain significance. Review status: criteria provided, multiple submitters, no conflicts (2 of 4 stars). 2 submissions from 2 submitters: Uncertain significance (2). Last evaluated 2025-12-21.

Conditions:
Hereditary cancer-predisposing syndrome. Also called: Hereditary Cancer Syndrome; Hereditary neoplastic syndrome; Neoplastic Syndromes, Hereditary; Tumor predisposition. Identifiers: Orphanet 140162, MedGen C0027672, MeSH D009386, MONDO:0015356.

gnomAD v4.1: 2 of 1,614,042 alleles (0.00012%); highest among the groups gnomAD compares: Non-Finnish European, 0.00017%; no homozygotes.

Submissions (2):

Labcorp Genetics (formerly Invitae), Labcorp
Classification: Uncertain significance. Last evaluated: 2025-12-21. Review status: criteria provided, single submitter. Criteria: Invitae Variant Classification Sherloc (09022015). Collection method: clinical testing. Allele origin: germline.
Comment: This sequence change replaces histidine, which is basic and polar, with arginine, which is basic and polar, at codon 808 of the POLE protein (p.His808Arg). This variant is not present in population databases (gnomAD no frequency). This variant has not been reported in the literature in individuals affected with POLE-related conditions. ClinVar contains an entry for this variant (Variation ID: 405801). Invitae Evidence Modeling of protein sequence and biophysical properties (such as structural, functional, and spatial information, amino acid conservation, physicochemical variation, residue mobility, and thermodynamic stability) indicates that this missense variant is expected to disrupt POLE protein function with a positive predictive value of 80%. In summary, the available evidence is currently insufficient to determine the role of this variant in disease. Therefore, it has been classified as a Variant of Uncertain Significance.

Ambry Genetics
Classification: Uncertain significance for Hereditary cancer-predisposing syndrome. Last evaluated: 2024-03-22. Review status: criteria provided, single submitter. Criteria: Ambry Variant Classification Scheme 2023. Collection method: clinical testing. Allele origin: germline.
Comment: The p.H808R variant (also known as c.2423A>G), located in coding exon 21 of the POLE gene, results from an A to G substitution at nucleotide position 2423. The histidine at codon 808 is replaced by arginine, an amino acid with highly similar properties. This amino acid position is conserved. In addition, this alteration is predicted to be deleterious by in silico analysis. Since supporting evidence is limited at this time, the clinical significance of this alteration remains unclear.